The following is an entry in ClinVar:

NM_016203.4(PRKAG2):c.758_760del (p.Val253del)

Gene: PRKAG2 (protein kinase AMP-activated non-catalytic subunit gamma 2; minus strand). Cytogenetic location: 7q36.1.
Variant type: Deletion.
Coding change: c.758_760del on transcript NM_016203.4 (MANE Select); coding-DNA positions 758 to 760, 3 bases deleted (TAG; older notation c.758_760delTAG).
Protein change: p.Val253del; deletes valine 253.
Genome position (GRCh38, 1-based): chr7:151,595,449-151,595,451, CTA deleted on the plus strand (TAG on the coding strand, the reverse complement: PRKAG2 is on the minus strand); deleting any 3 consecutive bases within chr7:151,595,449-151,595,453 gives the same sequence; the c. name uses the placement nearest the transcript's 3' end. VCF-style (leftmost placement, unchanged base first): chr7-151595448-TCTA-T. GRCh37 (hg19) VCF-style: chr7-151292534-TCTA-T.
Other names: c.626_628del, p.Val209del (NM_001040633.2, NM_001407024.1); c.35_37del, p.Val12del (NM_001304531.2, NM_001407034.1, NM_001407035.1 and 1 more transcripts); c.386_388del, p.Val129del (NM_001363698.2, NM_001407028.1); c.758_760del, p.Val253del (NM_001407021.1); c.470_472del, p.Val157del (NM_001407030.1); c.440_442del, p.Val147del (NM_001407032.1); c.434_436del, p.Val145del (NM_001407033.1); short protein forms V129del, V12del, V145del, V147del, V157del, V209del, V253del.
Identifiers: ClinVar variation 3894385 (VCV003894385.2).

ClinVar aggregate classification (germline): Uncertain significance. Review status: criteria provided, multiple submitters, no conflicts (2 of 4 stars). 2 submissions from 2 submitters: Uncertain significance (2). Last evaluated 2025-02-20.

Conditions:
Cardiomyopathy (CMYO). Also called: Cardiomyopathies. Identifiers: Orphanet 167848, MedGen C0878544, MONDO:0004994, HP:0001638. Inheritance: Various modes of inheritance.
Lethal congenital glycogen storage disease of heart. Also called: PHOSPHORYLASE KINASE DEFICIENCY OF HEART; GLYCOGEN STORAGE DISEASE OF HEART. Identifiers: Orphanet 439854, MedGen C1849813, MONDO:0009867, OMIM 261740.

Submissions (2):

Labcorp Genetics (formerly Invitae), Labcorp
Classification: Uncertain significance for Lethal congenital glycogen storage disease of heart. Last evaluated: 2025-02-20. Review status: criteria provided, single submitter. Criteria: Invitae Variant Classification Sherloc (09022015). Collection method: clinical testing. Allele origin: germline.
Comment: This variant, c.758_760del, results in the deletion of 1 amino acid(s) of the PRKAG2 protein (p.Val253del), but otherwise preserves the integrity of the reading frame. This variant is not present in population databases (gnomAD no frequency). This variant has not been reported in the literature in individuals affected with PRKAG2-related conditions. Experimental studies and prediction algorithms are not available or were not evaluated, and the functional significance of this variant is currently unknown. Algorithms developed to predict the effect of sequence changes on RNA splicing suggest that this variant may create or strengthen a splice site. In summary, the available evidence is currently insufficient to determine the role of this variant in disease. Therefore, it has been classified as a Variant of Uncertain Significance.

Color Diagnostics, LLC DBA Color Health
Classification: Uncertain significance for Cardiomyopathy. Last evaluated: 2023-09-15. Review status: criteria provided, single submitter. Criteria: ACMG Guidelines, 2015. Collection method: clinical testing. Allele origin: germline.
Comment: This variant causes an in-frame deletion of one amino acid at exon 6 of the PRKAG2 protein. To our knowledge, functional studies have not been reported for this variant. This variant has not been reported in individuals affected with PRKAG2-related disorders in the literature. This variant has not been identified in the general population by the Genome Aggregation Database (gnomAD). The available evidence is insufficient to determine the role of this variant in disease conclusively. Therefore, this variant is classified as a Variant of Uncertain Significance.